The following is an entry in ClinVar:

ClinVar aggregate classification (germline): Uncertain significance. Review status: criteria provided, multiple submitters, no conflicts (2 of 4 stars). 3 submissions from 3 submitters: Uncertain significance (3). Last evaluated 2026-06-21.

Conditions:
Mucopolysaccharidosis, MPS-IV-A (MPS4A). Also called: MORQUIO SYNDROME A; Mucopolysaccharidosis Type IVA; MORQUIO A DISEASE; Morquio syndrome A, mild; mucopolysaccharidosis type 4A; GALACTOSAMINE-6-SULFATASE DEFICIENCY. Identifiers: Orphanet 309297, Orphanet 582, MedGen C0086651, MONDO:0009659, OMIM 253000.
GALNS-related disorder. Also called: GALNS-related condition.

Allele frequency attached by ClinVar (database versions not stated): ExAC 0.00001; gnomAD 0.00001; gnomAD exomes 0.00001; TOPMed 0.00002.
gnomAD v4.1: 21 of 1,613,852 alleles (0.0013%); highest among the groups gnomAD compares: South Asian, 0.0066%; no homozygotes.

Submissions (3):

PreventionGenetics, part of Exact Sciences
Classification: Uncertain significance for GALNS-related condition. Last evaluated: 2026-06-21. Review status: criteria provided, single submitter. Criteria: ACMG Guidelines, 2015. Collection method: clinical testing. Allele origin: germline.
Comment: The GALNS c.758G>A variant is predicted to result in the amino acid substitution p.Arg253Gln. This variant was reported in the compound heterozygous state along with a second potentially causative variant in an individual with mucopolysaccharidosis IVa (Dũng et al. 2013. PubMed ID: 23876334). This variant is reported in 0.0065% of alleles in individuals of South Asian descent in gnomAD. At this time, the clinical significance of this variant is uncertain due to the absence of conclusive functional and genetic evidence.

Women's Health and Genetics/Laboratory Corporation of America, LabCorp
Classification: Uncertain significance. Last evaluated: 2022-10-28. Review status: criteria provided, single submitter. Criteria: LabCorp Variant Classification Summary - May 2015. Collection method: clinical testing. Allele origin: germline.
Comment: Variant summary: GALNS c.758G>A (p.Arg253Gln) results in a conservative amino acid change in the encoded protein sequence. Three of five in-silico tools predict a damaging effect of the variant on protein function. Several computational tools predict a significant impact on normal splicing: Four predict the variant weakens a 5' donor site. However, these predictions have yet to be confirmed by functional studies. The variant allele was found at a frequency of 8e-06 in 251240 control chromosomes (gnomAD). The available data on variant occurrences in the general population are insufficient to allow any conclusion about variant significance. c.758G>A has been reported in the literature in the compound heterozygous state in an individual affected with Mucopolysaccharidosis Type IVA (Morquio Syndrome A) (e.g. Dung_2013). This report does not provide unequivocal conclusions about association of the variant with Mucopolysaccharidosis Type IVA (Morquio Syndrome A). To our knowledge, no experimental evidence demonstrating an impact on protein function has been reported. One submitter has provided a clinical-significance assessment for this variant to ClinVar after 2014 and classified the variant as uncertain significance. Based on the evidence outlined above, the variant was classified as uncertain significance.

Laboratory of Diagnosis and Therapy of Lysosomal Disorders, University of Padova
Classification: Uncertain significance for Mucopolysaccharidosis, MPS-IV-A. Last evaluated: 2021-02-01. Review status: criteria provided, single submitter. Criteria: ACMG Guidelines, 2015. Collection method: curation. Allele origin: germline. Affected: yes.
Comment: The prevalence of the variant in affected individuals is significantly increased compared with the prevalence in controls (PS4_supporting); very low frequency in gnomAD v2.1.1 (PM2_moderate)

Literature cited by the submitters: PubMed 23876334 (cited by Women's Health and Genetics/Laboratory Corporation of America, LabCorp and Laboratory of Diagnosis and Therapy of Lysosomal Disorders, University of Padova); PubMed 25137622 (cited by Women's Health and Genetics/Laboratory Corporation of America, LabCorp); PubMed 34387910 (cited by Laboratory of Diagnosis and Therapy of Lysosomal Disorders, University of Padova).

NM_000512.5(GALNS):c.758G>A (p.Arg253Gln)

Gene: GALNS (galactosamine (N-acetyl)-6-sulfatase; minus strand). Cytogenetic location: 16q24.3.
Variant type: single nucleotide variant.
Coding change: c.758G>A on transcript NM_000512.5 (MANE Select); coding-DNA position 758, G replaced by A.
Protein change: p.Arg253Gln; replaces arginine 253 with glutamine.
Molecular consequence: missense variant.
Genome position (GRCh38, 1-based): chr16:88,835,725, C>T on the plus strand (G>A on the coding strand, the complement: GALNS is on the minus strand). VCF-style: chr16-88835725-C-T. GRCh37 (hg19) VCF-style: chr16-88902133-C-T.
Other names: c.758G>A (NM_000512.4); c.203G>A, p.Arg68Gln (NM_001323543.2); c.776G>A, p.Arg259Gln (NM_001323544.2); short protein forms R253Q, R259Q, R68Q.
Identifiers: ClinVar variation 1048293 (VCV001048293.6), dbSNP rs769560969, ClinGen allele CA8235003.